The following is an entry in ClinVar:

ClinVar aggregate classification (germline): Uncertain significance. Review status: criteria provided, multiple submitters, no conflicts (2 of 4 stars). 4 submissions from 4 submitters: Uncertain significance (4). Last evaluated 2026-01-27.

Conditions:
Inborn genetic diseases. Identifiers: MedGen C0950123, MeSH D030342.
Facioscapulohumeral muscular dystrophy 2 (FSHD2). Also called: FACIOSCAPULOHUMERAL MUSCULAR DYSTROPHY 2, DIGENIC; FSHD2, DIGENIC; MUSCULAR DYSTROPHY, FACIOSCAPULOHUMERAL, TYPE 1B. Identifiers: Orphanet 269, MedGen C1834671, MONDO:0008031, OMIM 158901.

Allele frequency attached by ClinVar (database versions not stated): gnomAD 0.00001 and 0.00002; TOPMed 0.00002; gnomAD exomes 0.00004; ExAC 0.00008.
gnomAD v4.1: 62 of 1,602,346 alleles (0.0039%); highest among the groups gnomAD compares: Middle Eastern, 0.017%; no homozygotes.

Submissions (4):

Labcorp Genetics (formerly Invitae), Labcorp
Classification: Uncertain significance for Facioscapulohumeral muscular dystrophy 2. Last evaluated: 2026-01-27. Review status: criteria provided, single submitter. Criteria: Invitae Variant Classification Sherloc (09022015). Collection method: clinical testing. Allele origin: germline.
Comment: This sequence change replaces aspartic acid, which is acidic and polar, with glutamic acid, which is acidic and polar, at codon 1969 of the SMCHD1 protein (p.Asp1969Glu). This variant is present in population databases (rs553815732, gnomAD 0.008%). This variant has not been reported in the literature in individuals affected with SMCHD1-related conditions. ClinVar contains an entry for this variant (Variation ID: 286230). Invitae Evidence Modeling of protein sequence and biophysical properties (such as structural, functional, and spatial information, amino acid conservation, physicochemical variation, residue mobility, and thermodynamic stability) indicates that this missense variant is not expected to disrupt SMCHD1 protein function with a negative predictive value of 80%. In summary, the available evidence is currently insufficient to determine the role of this variant in disease. Therefore, it has been classified as a Variant of Uncertain Significance.

Ambry Genetics
Classification: Uncertain significance for Inborn genetic diseases. Last evaluated: 2023-06-23. Review status: criteria provided, single submitter. Criteria: Ambry Variant Classification Scheme 2023. Collection method: clinical testing. Allele origin: germline.

Revvity Omics, Revvity
Classification: Uncertain significance. Last evaluated: 2019-08-14. Review status: criteria provided, single submitter. Criteria: ACMG Guidelines, 2015. Collection method: clinical testing. Allele origin: germline.

Eurofins Ntd Llc (ga)
Classification: Uncertain significance. Last evaluated: 2016-02-09. Review status: criteria provided, single submitter. Criteria: EGL Classification Definitions 2015. Collection method: clinical testing. Allele origin: germline. Observed: 1 variant allele, 1 heterozygote.

NM_015295.3(SMCHD1):c.5907C>G (p.Asp1969Glu)

Gene: SMCHD1 (structural maintenance of chromosomes flexible hinge domain containing 1; plus strand). Cytogenetic location: 18p11.32.
Variant type: single nucleotide variant.
Coding change: c.5907C>G on transcript NM_015295.3 (MANE Select); coding-DNA position 5907, C replaced by G.
Protein change: p.Asp1969Glu; replaces aspartic acid 1969 with glutamic acid.
Molecular consequence: missense variant.
Genome position (GRCh38, 1-based): chr18:2,796,435, C>G. VCF-style: chr18-2796435-C-G. GRCh37 (hg19) VCF-style: chr18-2796433-C-G.
Other names: c.5907C>G (NM_015295.2); short protein forms D1969E.
Identifiers: ClinVar variation 286230 (VCV000286230.13), dbSNP rs553815732, ClinGen allele CA8871815.
Genomic context (GRCh38, chr18:2,796,435, plus strand): 5'-AATTTAACTTTCTACATTTTCCATCTTCACAGGTATGACTCCCATACGTAAGTGTAATGA[C>G]TCATTGCGTCATTCACCAAAGGTTGAGACGACAGATTGTCCAGTTCCTCCTAAAAGAATG-3'
Protein context (NP_056110.2, residues 1959-1979): LGMTPIRKCN[Asp1969Glu]SLRHSPKVET